The following is an entry in ClinVar:

ClinVar aggregate classification (germline): Likely benign (1 of 4 stars; one submission).

Allele frequency attached by ClinVar (database versions not stated): gnomAD exomes below 0.00001 and 0.00001; ExAC 0.00002.
gnomAD v4.1: 2 of 1,613,666 alleles (0.00012%); highest among the groups gnomAD compares: Non-Finnish European, 0.00017%; no homozygotes.

Submission:

Laboratory for Molecular Medicine, Mass General Brigham Personalized Medicine
Classification: Likely benign. Last evaluated: 2011-01-17. Review status: criteria provided, single submitter. Criteria: LMM Criteria. Collection method: clinical testing. Allele origin: germline. Observed: 1 variant allele.
Comment: Gln1128Gln in exon 32 of MYO6: This variant is not expected to have clinical sig nificance because it does not alter an amino acid residue and is not located nea r a splice junction.

NM_004999.4(MYO6):c.3384A>G (p.Gln1128=)

Gene: MYO6 (myosin VI; plus strand). Cytogenetic location: 6q14.1.
Variant type: single nucleotide variant.
Coding change: c.3384A>G on transcript NM_004999.4 (MANE Select); coding-DNA position 3384, A replaced by G.
Protein change: p.Gln1128=; no amino-acid change (glutamine 1128 retained).
Molecular consequence: synonymous variant. On other transcripts: non-coding transcript variant (1).
Genome position (GRCh38, 1-based): chr6:75,908,599, A>G. VCF-style: chr6-75908599-A-G. GRCh37 (hg19) VCF-style: chr6-76618316-A-G.
Other names: c.3315A>G, p.Gln1105= (NM_001300899.2, NM_001368136.1); c.3372A>G, p.Gln1124= (NM_001368137.1); c.3300A>G, p.Gln1100= (NM_001368138.1); c.3411A>G, p.Gln1137= (NM_001368865.1, NM_001368866.1).
Identifiers: ClinVar variation 45156 (VCV000045156.5), dbSNP rs397517051, ClinGen allele CA135629.